The following is an entry in ClinVar:

NM_000075.4(CDK4):c.609C>A (p.Ile203=)

Gene: CDK4 (cyclin dependent kinase 4; minus strand). Cytogenetic location: 12q14.1.
Variant type: single nucleotide variant.
Coding change: c.609C>A on transcript NM_000075.4 (MANE Select); coding-DNA position 609, C replaced by A.
Protein change: p.Ile203=; no amino-acid change (isoleucine 203 retained).
Molecular consequence: synonymous variant.
Genome position (GRCh38, 1-based): chr12:57,750,679, G>T on the plus strand (C>A on the coding strand, the complement: CDK4 is on the minus strand). VCF-style: chr12-57750679-G-T. GRCh37 (hg19) VCF-style: chr12-58144462-G-T.
Identifiers: ClinVar variation 220383 (VCV000220383.13), dbSNP rs864622504, ClinGen allele CA350649.

ClinVar aggregate classification (germline): Benign/Likely benign. Review status: criteria provided, multiple submitters, no conflicts (2 of 4 stars). 3 submissions from 3 submitters: Benign (1); Likely benign (2). Last evaluated 2024-09-26.

Conditions:
Familial melanoma. Also called: Hereditary melanoma; Hereditary cutaneous melanoma. Identifiers: Orphanet 618, MedGen C1512419, MONDO:0018961.
Hereditary cancer-predisposing syndrome. Also called: Hereditary neoplastic syndrome; Tumor predisposition; Hereditary Cancer Syndrome; Neoplastic Syndromes, Hereditary. Identifiers: Orphanet 140162, MedGen C0027672, MeSH D009386, MONDO:0015356.
Melanoma, cutaneous malignant, susceptibility to, 3. Also called: Cutaneous malignant melanoma 3. Identifiers: Orphanet 618, MedGen C1836892, MONDO:0012183, OMIM 609048.

Submissions (3):

Myriad Genetics, Inc.
Classification: Benign for Melanoma, cutaneous malignant, susceptibility to, 3. Last evaluated: 2024-09-26. Review status: criteria provided, single submitter. Criteria: Myriad Autosomal Dominant, Autosomal Recessive and X-Linked Classification Criteria (2023). Collection method: clinical testing. Allele origin: unknown.
Comment: This variant is considered benign. This variant is a silent/synonymous amino acid change and it is not expected to impact splicing.

Labcorp Genetics (formerly Invitae), Labcorp
Classification: Likely benign for Familial melanoma. Last evaluated: 2023-09-27. Review status: criteria provided, single submitter. Criteria: Invitae Variant Classification Sherloc (09022015). Collection method: clinical testing. Allele origin: germline.

Ambry Genetics
Classification: Likely benign for Hereditary cancer-predisposing syndrome. Last evaluated: 2022-10-04. Review status: criteria provided, single submitter. Criteria: Ambry Variant Classification Scheme 2023. Collection method: clinical testing. Allele origin: germline.